The following is an entry in ClinVar:

NM_001042492.3(NF1):c.5334del (p.Phe1778_Leu1779insTer)

Gene: NF1 (neurofibromin 1; plus strand). Cytogenetic location: 17q11.2.
Variant type: Deletion.
Coding change: c.5334del on transcript NM_001042492.3 (MANE Select); coding-DNA position 5334, one base deleted (T; older notation c.5334delT).
Protein change: p.Phe1778_Leu1779insTer.
Molecular consequence: frameshift variant. On other transcripts: nonsense (1).
Genome position (GRCh38, 1-based): chr17:31,327,564, T deleted; the last of 3 consecutive T bases (chr17:31,327,562-31,327,564); deleting any one gives the same sequence. VCF-style (leftmost placement, unchanged base first): chr17-31327561-CT-C. GRCh37 (hg19) VCF-style: chr17-29654579-CT-C.
Other names: c.5271delT, p.Leu1758Terfs (NM_000267.4).
Identifiers: ClinVar variation 1418629 (VCV001418629.6), dbSNP rs1555533566, ClinGen allele CA2573153403.

ClinVar aggregate classification (germline): Pathogenic. Review status: criteria provided, multiple submitters, no conflicts (2 of 4 stars). 2 submissions from 2 submitters: Pathogenic (2). Last evaluated 2026-03-23.

Conditions:
Neurofibromatosis, type 1 (NF1). Also called: Neurofibromatosis, type I; VON RECKLINGHAUSEN DISEASE; NEUROFIBROMATOSIS, TYPE I, SOMATIC; Peripheral type neurofibromatosis. Identifiers: Orphanet 636, MedGen C0027831, MONDO:0018975, OMIM 162200. Disease mechanism: loss of function.

Submissions (2):

Institute of Human Genetics, University of Leipzig Medical Center
Classification: Pathogenic for Neurofibromatosis, type 1. Last evaluated: 2026-03-23. Review status: criteria provided, single submitter. Criteria: ACMG Guidelines, 2015. Collection method: clinical testing. Allele origin: unknown. Inheritance: Autosomal dominant inheritance. Affected: yes.
Comment: Criteria applied: PVS1, PS4_SUP, PM2_MOD

Labcorp Genetics (formerly Invitae), Labcorp
Classification: Pathogenic for Neurofibromatosis, type 1. Last evaluated: 2021-10-01. Review status: criteria provided, single submitter. Criteria: Invitae Variant Classification Sherloc (09022015). Collection method: clinical testing. Allele origin: germline.
Comment: For these reasons, this variant has been classified as Pathogenic. This premature translational stop signal has been observed in individual(s) with neurofibromatosis type 1 (PMID: 10633134). This variant is not present in population databases (ExAC no frequency). This sequence change creates a premature translational stop signal (p.Leu1758*) in the NF1 gene. It is expected to result in an absent or disrupted protein product. Loss-of-function variants in NF1 are known to be pathogenic (PMID: 10712197, 23913538).

Literature cited by the submitters: PubMed 10633134 (cited by Labcorp Genetics (formerly Invitae), Labcorp); PubMed 10712197 (cited by Labcorp Genetics (formerly Invitae), Labcorp); PubMed 23913538 (cited by Labcorp Genetics (formerly Invitae), Labcorp).